The following is an entry in ClinVar:

ClinVar aggregate classification (germline): Uncertain significance. Review status: criteria provided, multiple submitters, no conflicts (2 of 4 stars). 2 submissions from 2 submitters: Uncertain significance (2). Last evaluated 2026-03-04.

Conditions:
Cognitive impairment - coarse facies - heart defects - obesity - pulmonary involvement - short stature - skeletal dysplasia syndrome. Also called: AFF4-Related CHOPS Syndrome; COGNITIVE IMPAIRMENT, COARSE FACIES, HEART DEFECTS, OBESITY, PULMONARY INVOLVEMENT, SHORT STATURE, AND SKELETAL DYSPLASIA; Chops syndrome. Identifiers: Orphanet 444077, MedGen C4085597, MONDO:0014609, OMIM 616368.

Submissions (2):

GeneDx
Classification: Uncertain significance. Last evaluated: 2026-03-04. Review status: criteria provided, single submitter. Criteria: GeneDx Variant Classification Process June 2021. Collection method: clinical testing. Allele origin: germline.
Comment: Not observed at significant frequency in large population cohorts (gnomAD); In silico analysis suggests that this missense variant does not alter protein structure/function; Has not been previously published as pathogenic or benign to our knowledge

Labcorp Genetics (formerly Invitae), Labcorp
Classification: Uncertain significance for Cognitive impairment - coarse facies - heart defects - obesity - pulmonary involvement - short stature - skeletal dysplasia syndrome. Last evaluated: 2025-04-10. Review status: criteria provided, single submitter. Criteria: Invitae Variant Classification Sherloc (09022015). Collection method: clinical testing. Allele origin: germline.
Comment: This sequence change replaces serine, which is neutral and polar, with leucine, which is neutral and non-polar, at codon 248 of the AFF4 protein (p.Ser248Leu). This variant is not present in population databases (gnomAD no frequency). This variant has not been reported in the literature in individuals affected with AFF4-related conditions. Invitae Evidence Modeling of protein sequence and biophysical properties (such as structural, functional, and spatial information, amino acid conservation, physicochemical variation, residue mobility, and thermodynamic stability) indicates that this missense variant is not expected to disrupt AFF4 protein function with a negative predictive value of 80%. Algorithms developed to predict the effect of sequence changes on RNA splicing suggest that this variant may create or strengthen a splice site. In summary, the available evidence is currently insufficient to determine the role of this variant in disease. Therefore, it has been classified as a Variant of Uncertain Significance.

NM_014423.4(AFF4):c.743C>T (p.Ser248Leu)

Gene: AFF4 (ALF transcription elongation factor 4; minus strand). Cytogenetic location: 5q31.1.
Variant type: single nucleotide variant.
Coding change: c.743C>T on transcript NM_014423.4 (MANE Select); coding-DNA position 743, C replaced by T.
Protein change: p.Ser248Leu; replaces serine 248 with leucine.
Molecular consequence: missense variant.
Genome position (GRCh38, 1-based): chr5:132,934,322, G>A on the plus strand (C>T on the coding strand, the complement: AFF4 is on the minus strand). VCF-style: chr5-132934322-G-A. GRCh37 (hg19) VCF-style: chr5-132270014-G-A.
Other names: c.743C>T (NM_014423.3); short protein forms S248L.
Identifiers: ClinVar variation 4737850 (VCV004737850.2).